The following is an entry in ClinVar:

NM_005060.4(RORC):c.1304A>G (p.Glu435Gly)

Gene: RORC (RAR related orphan receptor C; minus strand). Cytogenetic location: 1q21.3.
Variant type: single nucleotide variant.
Coding change: c.1304A>G on transcript NM_005060.4 (MANE Select); coding-DNA position 1304, A replaced by G.
Protein change: p.Glu435Gly; replaces glutamic acid 435 with glycine.
Molecular consequence: missense variant.
Genome position (GRCh38, 1-based): chr1:151,811,416, T>C on the plus strand (A>G on the coding strand, the complement: RORC is on the minus strand). VCF-style: chr1-151811416-T-C. GRCh37 (hg19) VCF-style: chr1-151783892-T-C.
Other names: c.1241A>G, p.Glu414Gly (NM_001001523.2); short protein forms E414G, E435G.
Identifiers: ClinVar variation 936652 (VCV000936652.8), dbSNP rs148168558, ClinGen allele CA1095688.

ClinVar aggregate classification (germline): Uncertain significance. Review status: criteria provided, multiple submitters, no conflicts (2 of 4 stars). 2 submissions from 2 submitters: Uncertain significance (2). Last evaluated 2024-09-24.

Conditions:
Inborn genetic diseases. Identifiers: MedGen C0950123, MeSH D030342.
Autosomal recessive mendelian susceptibility to mycobacterial diseases due to complete RORgamma receptor deficiency. Also called: Immunodeficiency 42. Identifiers: Orphanet 477857, MedGen C5567647, MONDO:0014710, OMIM 616622.

Allele frequency attached by ClinVar (database versions not stated): gnomAD exomes 0.00001 and 0.00007; ExAC 0.00011; 1000 Genomes Project 30x 0.00016; gnomAD 0.00019; 1000 Genomes Project 0.00020; TOPMed 0.00020; ESP Exome Variant Server 0.00054.
gnomAD v4.1: 47 of 1,613,546 alleles (0.0029%); highest among the groups gnomAD compares: African/African-American, 0.06%; no homozygotes.

Submissions (2):

Ambry Genetics
Classification: Uncertain significance for Inborn genetic diseases. Last evaluated: 2024-09-24. Review status: criteria provided, single submitter. Criteria: Ambry Variant Classification Scheme 2023. Collection method: clinical testing. Allele origin: germline.

Labcorp Genetics (formerly Invitae), Labcorp
Classification: Uncertain significance for Autosomal recessive mendelian susceptibility to mycobacterial diseases due to complete RORgamma receptor deficiency. Last evaluated: 2022-08-19. Review status: criteria provided, single submitter. Criteria: Invitae Variant Classification Sherloc (09022015). Collection method: clinical testing. Allele origin: germline.
Comment: This sequence change replaces glutamic acid, which is acidic and polar, with glycine, which is neutral and non-polar, at codon 435 of the RORC protein (p.Glu435Gly). This variant is present in population databases (rs148168558, gnomAD 0.08%). This variant has not been reported in the literature in individuals affected with RORC-related conditions. ClinVar contains an entry for this variant (Variation ID: 936652). Algorithms developed to predict the effect of missense changes on protein structure and function (SIFT, PolyPhen-2, Align-GVGD) all suggest that this variant is likely to be tolerated. In summary, the available evidence is currently insufficient to determine the role of this variant in disease. Therefore, it has been classified as a Variant of Uncertain Significance.